The following is an entry in ClinVar:

NM_000135.4(FANCA):c.1063C>A (p.Leu355Ile)

Gene: FANCA (FA complementation group A; minus strand). Cytogenetic location: 16q24.3.
Variant type: single nucleotide variant.
Coding change: c.1063C>A on transcript NM_000135.4 (MANE Select); coding-DNA position 1063, C replaced by A.
Protein change: p.Leu355Ile; replaces leucine 355 with isoleucine.
Molecular consequence: missense variant.
Genome position (GRCh38, 1-based): chr16:89,792,491, G>T on the plus strand (C>A on the coding strand, the complement: FANCA is on the minus strand). VCF-style: chr16-89792491-G-T. GRCh37 (hg19) VCF-style: chr16-89858899-G-T.
Other names: c.1063C>A, p.Leu355Ile (NM_001286167.3); short protein forms L355I.
Identifiers: ClinVar variation 2093235 (VCV002093235.4), dbSNP rs2040109293, ClinGen allele CA397466658.

ClinVar aggregate classification (germline): Uncertain significance (1 of 4 stars; one submission).

Conditions:
Fanconi anemia (FA). Also called: Fanconi's anemia. Identifiers: Orphanet 84, MedGen C0015625, MeSH D005199, MONDO:0019391.

Submission:

Labcorp Genetics (formerly Invitae), Labcorp
Classification: Uncertain significance for Fanconi anemia. Last evaluated: 2022-03-13. Review status: criteria provided, single submitter. Criteria: Invitae Variant Classification Sherloc (09022015). Collection method: clinical testing. Allele origin: germline.
Comment: This variant is not present in population databases (gnomAD no frequency). This sequence change replaces leucine, which is neutral and non-polar, with isoleucine, which is neutral and non-polar, at codon 355 of the FANCA protein (p.Leu355Ile). In summary, the available evidence is currently insufficient to determine the role of this variant in disease. Therefore, it has been classified as a Variant of Uncertain Significance. Algorithms developed to predict the effect of missense changes on protein structure and function are either unavailable or do not agree on the potential impact of this missense change (SIFT: "Deleterious"; PolyPhen-2: "Benign"; Align-GVGD: "Class C0"). This variant has not been reported in the literature in individuals affected with FANCA-related conditions.